The following is an entry in ClinVar:

ClinVar aggregate classification (germline): Uncertain significance (1 of 4 stars; one submission).

Submission:

GeneDx
Classification: Uncertain significance. Last evaluated: 2022-05-18. Review status: criteria provided, single submitter. Criteria: GeneDx Variant Classification Process June 2021. Collection method: clinical testing. Allele origin: germline. Affected: yes.
Comment: Has not been previously published as pathogenic or benign to our knowledge; Nonsense variant predicted to result in protein truncation or nonsense mediated decay in a gene or region of a gene for which loss of function is not a well-established mechanism of disease; Not observed at significant frequency in large population cohorts (gnomAD); Variants in candidate genes are classified as variants of uncertain significance in accordance with ACMG guidelines (Richards et al., 2015)

NM_001282874.2(SMARCA1):c.2177T>A (p.Leu726Ter)

Gene: SMARCA1 (SNF2 related chromatin remodeling ATPase 1; minus strand). Cytogenetic location: Xq25.
Variant type: single nucleotide variant.
Coding change: c.2177T>A on transcript NM_001282874.2 (MANE Select); coding-DNA position 2177, T replaced by A.
Protein change: p.Leu726Ter; replaces leucine 726 with a stop codon.
Molecular consequence: nonsense.
Genome position (GRCh38, 1-based): chrX:129,487,058, A>T on the plus strand (T>A on the coding strand, the complement: SMARCA1 is on the minus strand). VCF-style: chrX-129487058-A-T. GRCh37 (hg19) VCF-style: chrX-128621035-A-T.
Other names: c.2141T>A, p.Leu714Ter (NM_001282875.2, NM_001378262.1, NM_001378263.1 and 1 more transcripts); c.2177T>A, p.Leu726Ter (NM_001378261.1, NM_003069.5); short protein forms L714*, L726*.
Identifiers: ClinVar variation 3899505 (VCV003899505.1).